The following is an entry in ClinVar:

NM_000492.4(CFTR):c.1595A>G (p.Lys532Arg)

Genes: CFTR (CF transmembrane conductance regulator; plus strand), LOC111674475 (CFTR intron 11 enhancer; plus strand). Cytogenetic location: 7q31.2.
Variant type: single nucleotide variant.
Coding change: c.1595A>G on transcript NM_000492.4 (MANE Select); coding-DNA position 1595, A replaced by G.
Protein change: p.Lys532Arg; replaces lysine 532 with arginine.
Molecular consequence: missense variant.
Genome position (GRCh38, 1-based): chr7:117,587,749, A>G. VCF-style: chr7-117587749-A-G. GRCh37 (hg19) VCF-style: chr7-117227803-A-G.
Other names: short protein forms K532R.
Identifiers: ClinVar variation 1775995 (VCV001775995.3), dbSNP rs1791963759, ClinGen allele CA368975847.

ClinVar aggregate classification (germline): Uncertain significance (1 of 4 stars; one submission).

Conditions:
Cystic fibrosis (CF). Also called: MUCOVISCIDOSIS. Identifiers: Orphanet 586, MedGen C0010674, MONDO:0009061, OMIM 219700. Disease mechanism: loss of function.

Allele frequency attached by ClinVar (database versions not stated): gnomAD 0.00001; gnomAD exomes below 0.00001.
gnomAD v4.1: 2 of 1,606,224 alleles (0.00012%); highest among the groups gnomAD compares: African/African-American, 0.0027%; no homozygotes.

Submission:

Ambry Genetics
Classification: Uncertain significance for Cystic fibrosis. Last evaluated: 2024-06-07. Review status: criteria provided, single submitter. Criteria: Ambry Variant Classification Scheme 2023. Collection method: clinical testing. Allele origin: germline.
Comment: The p.K532R variant (also known as c.1595A>G), located in coding exon 12 of the CFTR gene, results from an A to G substitution at nucleotide position 1595. The lysine at codon 532 is replaced by arginine, an amino acid with highly similar properties. This amino acid position is conserved. In addition, the in silico prediction for this alteration is inconclusive. Since supporting evidence is limited at this time, the clinical significance of this alteration remains unclear.